The following is an entry in ClinVar:

NM_021074.5(NDUFV2):c.44C>T (p.Thr15Ile)

Gene: NDUFV2 (NADH:ubiquinone oxidoreductase core subunit V2; plus strand). Cytogenetic location: 18p11.22.
Variant type: single nucleotide variant.
Coding change: c.44C>T on transcript NM_021074.5 (MANE Select); coding-DNA position 44, C replaced by T.
Protein change: p.Thr15Ile; replaces threonine 15 with isoleucine.
Molecular consequence: missense variant.
Genome position (GRCh38, 1-based): chr18:9,102,787, C>T. VCF-style: chr18-9102787-C-T. GRCh37 (hg19) VCF-style: chr18-9102785-C-T.
Other names: short protein forms T15I.
Identifiers: ClinVar variation 1715638 (VCV001715638.5), dbSNP rs759234439, ClinGen allele CA8887032.
Genomic context (GRCh38, chr18:9,102,787, plus strand): 5'-GAACAGTGTGGCCCGCCATGTTCTTCTCCGCGGCGCTCCGGGCCCGGGCGGCTGGCCTCA[C>T]CGCCCACTGGGTAAGGAGGCTCAAGCTGAGCCCGGCGCTGCCGCCGCCCTTCTCTTGCTC-3'
Protein context (NP_066552.2, residues 5-25): AALRARAAGL[Thr15Ile]AHWGRHVRNL

ClinVar aggregate classification (germline): Uncertain significance (1 of 4 stars; one submission).

Allele frequency attached by ClinVar (database versions not stated): ExAC 0.00004.
gnomAD v4.1: 1 of 1,575,230 alleles (0.000063%); highest among the groups gnomAD compares: South Asian, 0.0012%; no homozygotes.

Submission:

Labcorp Genetics (formerly Invitae), Labcorp
Classification: Uncertain significance. Last evaluated: 2022-08-20. Review status: criteria provided, single submitter. Criteria: Invitae Variant Classification Sherloc (09022015). Collection method: clinical testing. Allele origin: germline.
Comment: In summary, the available evidence is currently insufficient to determine the role of this variant in disease. Therefore, it has been classified as a Variant of Uncertain Significance. Algorithms developed to predict the effect of missense changes on protein structure and function output the following: SIFT: "Deleterious"; PolyPhen-2: "Benign"; Align-GVGD: "Class C0". The isoleucine amino acid residue is found in multiple mammalian species, which suggests that this missense change does not adversely affect protein function. This variant has not been reported in the literature in individuals affected with NDUFV2-related conditions. The frequency data for this variant in the population databases is considered unreliable, as metrics indicate poor data quality at this position in the gnomAD database. This sequence change replaces threonine, which is neutral and polar, with isoleucine, which is neutral and non-polar, at codon 15 of the NDUFV2 protein (p.Thr15Ile).